The following is an entry in ClinVar:

NM_000071.3(CBS):c.1114G>A (p.Val372Ile)

Gene: CBS (cystathionine beta-synthase; minus strand). Cytogenetic location: 21q22.3.
Variant type: single nucleotide variant.
Coding change: c.1114G>A on transcript NM_000071.3 (MANE Select); coding-DNA position 1114, G replaced by A.
Protein change: p.Val372Ile; replaces valine 372 with isoleucine.
Molecular consequence: missense variant.
Genome position (GRCh38, 1-based): chr21:43,060,472, C>T on the plus strand (G>A on the coding strand, the complement: CBS is on the minus strand). VCF-style: chr21-43060472-C-T. GRCh37 (hg19) VCF-style: chr21-44480582-C-T.
Other names: c.1114G>A, p.Val372Ile (NM_001178008.3, NM_001178009.3, NM_001320298.2); c.799G>A, p.Val267Ile (NM_001321072.1); short protein forms V372I, V267I.
Identifiers: ClinVar variation 643284 (VCV000643284.14), dbSNP rs775354680, ClinGen allele CA321689710.
Genomic context (GRCh38, chr21:43,060,472, plus strand): 5'-AGGGACCTGGGAGGGAAGCCGTGTCTTACATGTAGTTCCGCACTGAGTCGGGCAGAATGA[C>T]CACGCAGCGCTGGCCCTCCTGCAGCTCCTGCGCGGCCTTCACGGCCACCGCCACCGTGCT-3'
Protein context (NP_000062.1, residues 362-382): QELQEGQRCV[Val372Ile]ILPDSVRNYM

ClinVar aggregate classification (germline): Uncertain significance. Review status: criteria provided, multiple submitters, no conflicts (2 of 4 stars). 4 submissions from 4 submitters: Uncertain significance (3). 1 of the submissions does not count toward it. Last evaluated 2024-11-25.

Conditions:
Connective tissue disorder. Also called: Connective tissue disease. Identifiers: MedGen C0009782, MONDO:0003900.
Classic homocystinuria. Also called: Homocystinuria due to CBS deficiency; Cystathionine beta-synthase deficiency; CBS deficiency; Homocystinuria due to Cystathionine Beta-Synthase Deficiency; HOMOCYSTINURIA WITH OR WITHOUT RESPONSE TO PYRIDOXINE. Identifiers: Orphanet 394, MedGen C0751202, MONDO:0009352, OMIM 236200.
HYPERHOMOCYSTEINEMIA, THROMBOTIC, CBS-RELATED. Identifiers: MedGen C3150344, OMIM 236200.

Allele frequency attached by ClinVar (database versions not stated): ExAC 0.00001; TOPMed 0.00001.

Submissions (4):

Blueprint Genetics
Classification: Uncertain significance. Last evaluated: 2024-11-25. Review status: criteria provided, single submitter. Criteria: ACMG Guidelines, 2015. Collection method: clinical testing. Allele origin: germline.

Labcorp Genetics (formerly Invitae), Labcorp
Classification: Uncertain significance for HYPERHOMOCYSTEINEMIA, THROMBOTIC, CBS-RELATED. Last evaluated: 2022-02-05. Review status: criteria provided, single submitter. Criteria: Invitae Variant Classification Sherloc (09022015). Collection method: clinical testing. Allele origin: germline.
Comment: This sequence change replaces valine, which is neutral and non-polar, with isoleucine, which is neutral and non-polar, at codon 372 of the CBS protein (p.Val372Ile). This variant is present in population databases (rs775354680, gnomAD 0.003%). This variant has not been reported in the literature in individuals affected with CBS-related conditions. ClinVar contains an entry for this variant (Variation ID: 643284). Algorithms developed to predict the effect of missense changes on protein structure and function are either unavailable or do not agree on the potential impact of this missense change (SIFT: "Tolerated"; PolyPhen-2: "Possibly Damaging"; Align-GVGD: "Class C0"). In summary, the available evidence is currently insufficient to determine the role of this variant in disease. Therefore, it has been classified as a Variant of Uncertain Significance.

Genome Diagnostics Laboratory, The Hospital for Sick Children
Classification: Uncertain significance for Connective tissue disorder. Last evaluated: 2020-09-08. Review status: criteria provided, single submitter. Criteria: ACMG Guidelines, 2015. Collection method: clinical testing. Allele origin: germline.

Natera, Inc.
Classification: Uncertain significance for Homocystinuria due to cystathionine beta-synthase deficiency. Last evaluated: 2020-09-11. Review status: no assertion criteria provided. Collection method: clinical testing. Allele origin: germline. Not counted in ClinVar's aggregate classification.